The following is an entry in ClinVar:

NM_000245.4(MET):c.1241A>C (p.Asp414Ala)

Gene: MET (MET proto-oncogene, receptor tyrosine kinase; plus strand). Cytogenetic location: 7q31.2.
Variant type: single nucleotide variant.
Coding change: c.1241A>C on transcript NM_000245.4 (MANE Select); coding-DNA position 1241, A replaced by C.
Protein change: p.Asp414Ala; replaces aspartic acid 414 with alanine.
Molecular consequence: missense variant. On other transcripts: 5 prime UTR variant (1).
Genome position (GRCh38, 1-based): chr7:116,731,708, A>C. VCF-style: chr7-116731708-A-C. GRCh37 (hg19) VCF-style: chr7-116371762-A-C.
Other names: c.1241A>C, p.Asp414Ala (NM_001127500.3, NM_001324401.3); c.-50A>C (NM_001324402.2); short protein forms D414A.
Identifiers: ClinVar variation 485761 (VCV000485761.13), dbSNP rs1554388638, ClinGen allele CA368972749.

ClinVar aggregate classification (germline): Uncertain significance. Review status: criteria provided, multiple submitters, no conflicts (2 of 4 stars). 2 submissions from 2 submitters: Uncertain significance (2). Last evaluated 2020-10-20.

Conditions:
Renal cell carcinoma. Identifiers: Orphanet 217071, MedGen C0007134, MeSH D002292, MONDO:0005086, HP:0005584.
Hereditary cancer-predisposing syndrome. Also called: Tumor predisposition; Hereditary Cancer Syndrome; Hereditary neoplastic syndrome; Neoplastic Syndromes, Hereditary. Identifiers: Orphanet 140162, MedGen C0027672, MeSH D009386, MONDO:0015356.

Allele frequency attached by ClinVar (database versions not stated): gnomAD 0.00001.
gnomAD v4.1: 2 of 1,614,012 alleles (0.00012%); highest among the groups gnomAD compares: Admixed American, 0.0033%; no homozygotes.

Submissions (2):

Labcorp Genetics (formerly Invitae), Labcorp
Classification: Uncertain significance for Renal cell carcinoma. Last evaluated: 2020-10-20. Review status: criteria provided, single submitter. Criteria: Invitae Variant Classification Sherloc (09022015). Collection method: clinical testing. Allele origin: germline.
Comment: Algorithms developed to predict the effect of missense changes on protein structure and function are either unavailable or do not agree on the potential impact of this missense change (SIFT: "Tolerated"; PolyPhen-2: "Probably Damaging"; Align-GVGD: "Class C0"). In summary, the available evidence is currently insufficient to determine the role of this variant in disease. Therefore, it has been classified as a Variant of Uncertain Significance. This variant has not been reported in the literature in individuals with MET-related conditions. ClinVar contains an entry for this variant (Variation ID: 485761). This variant is not present in population databases (ExAC no frequency). This sequence change replaces aspartic acid with alanine at codon 414 of the MET protein (p.Asp414Ala). The aspartic acid residue is moderately conserved and there is a moderate physicochemical difference between aspartic acid and alanine.

Ambry Genetics
Classification: Uncertain significance for Hereditary cancer-predisposing syndrome. Last evaluated: 2016-02-26. Review status: criteria provided, single submitter. Criteria: Ambry Variant Classification Scheme 2023. Collection method: clinical testing. Allele origin: germline.
Comment: The p.D414A variant (also known as c.1241A>C), located in coding exon 2 of the MET gene, results from an A to C substitution at nucleotide position 1241. The aspartic acid at codon 414 is replaced by alanine, an amino acid with dissimilar properties. This variant was not reported in population based cohorts in the following databases: Database of Single Nucleotide Polymorphisms (dbSNP), NHLBI Exome Sequencing Project (ESP), and 1000 Genomes Project. In the ESP, this variant was not observed in 5992 samples (11984 alleles) with coverage at this position. To date, this alteration has been detected with an allele frequency of approximately 0.01% (greater than 10000 alleles tested) in our clinical cohort. This amino acid position is highly conserved in available vertebrate species. In addition, the in silico prediction for this alteration is inconclusive. Since supporting evidence is limited at this time, the clinical significance of this alteration remains unclear.